The following is an entry in ClinVar:

ClinVar aggregate classification (germline): Uncertain significance (1 of 4 stars; one submission).

Submission:

Labcorp Genetics (formerly Invitae), Labcorp
Classification: Uncertain significance. Last evaluated: 2022-05-28. Review status: criteria provided, single submitter. Criteria: Invitae Variant Classification Sherloc (09022015). Collection method: clinical testing. Allele origin: germline.
Comment: This sequence change replaces leucine, which is neutral and non-polar, with glutamine, which is neutral and polar, at codon 101 of the OR2W3 protein (p.Leu101Gln). Algorithms developed to predict the effect of missense changes on protein structure and function are either unavailable or do not agree on the potential impact of this missense change (SIFT: "Not Available"; PolyPhen-2: "Probably Damaging"; Align-GVGD: "Not Available"). In summary, the available evidence is currently insufficient to determine the role of this variant in disease. Therefore, it has been classified as a Variant of Uncertain Significance. This variant has not been reported in the literature in individuals affected with OR2W3-related conditions. Information on the frequency of this variant in the gnomAD database is not available, as this variant may be reported differently in the database.

NM_001001957.2(OR2W3):c.302_303delinsAA (p.Leu101Gln)

Gene: OR2W3 (olfactory receptor family 2 subfamily W member 3; plus strand). Cytogenetic location: 1q44.
Variant type: Indel.
Coding change: c.302_303delinsAA on transcript NM_001001957.2 (MANE Select); coding-DNA positions 302 to 303, TC replaced by AA.
Protein change: p.Leu101Gln; replaces leucine 101 with glutamine.
Molecular consequence: missense variant.
Genome position (GRCh38, 1-based): chr1:247,895,888-247,895,889, TC replaced by AA. VCF-style: chr1-247895888-TC-AA. GRCh37 (hg19) VCF-style: chr1-248059190-TC-AA.
Other names: short protein forms L101Q.
Identifiers: ClinVar variation 1999949 (VCV001999949.4), dbSNP rs2527687761, ClinGen allele CA2580063584.
Genomic context (GRCh38, chr1:247,895,888, plus strand): 5'-TGCTCTACAACCTTAATGGATGTGACAAGACCATCAGCTACATGGGCTGTGCCATCCAGC[TC>AA]TTCCTGTTCCTGGGTCTGGGTGGTGTGGAGTGCCTGCTTCTGGCTGTCATGGCCTATGAC-3'
Protein context (NP_001001957.2, residues 91-111): TISYMGCAIQ[Leu101Gln]FLFLGLGGVE